The following is an entry in ClinVar:

NM_022047.4(DEF6):c.310C>T (p.Arg104Trp)

Gene: DEF6 (DEF6 guanine nucleotide exchange factor; plus strand). Cytogenetic location: 6p21.31.
Variant type: single nucleotide variant.
Coding change: c.310C>T on transcript NM_022047.4 (MANE Select); coding-DNA position 310, C replaced by T.
Protein change: p.Arg104Trp; replaces arginine 104 with tryptophan.
Molecular consequence: missense variant.
Genome position (GRCh38, 1-based): chr6:35,310,531, C>T. VCF-style: chr6-35310531-C-T. GRCh37 (hg19) VCF-style: chr6-35278308-C-T.
Other names: c.310C>T (NM_022047.3); short protein forms R104W.
Identifiers: ClinVar variation 2419245 (VCV002419245.5), dbSNP rs779366000, ClinGen allele CA3770696.

ClinVar aggregate classification (germline): Uncertain significance. Review status: criteria provided, multiple submitters, no conflicts (2 of 4 stars). 2 submissions from 2 submitters: Uncertain significance (2). Last evaluated 2025-04-16.

Allele frequency attached by ClinVar (database versions not stated): TOPMed below 0.00001; ExAC 0.00001; gnomAD 0.00001; gnomAD exomes 0.00003.
gnomAD v4.1: 38 of 1,614,046 alleles (0.0024%); highest among the groups gnomAD compares: Non-Finnish European, 0.003%; no homozygotes.

Submissions (2):

Labcorp Genetics (formerly Invitae), Labcorp
Classification: Uncertain significance. Last evaluated: 2025-04-16. Review status: criteria provided, single submitter. Criteria: Invitae Variant Classification Sherloc (09022015). Collection method: clinical testing. Allele origin: germline.
Comment: This sequence change replaces arginine, which is basic and polar, with tryptophan, which is neutral and slightly polar, at codon 104 of the DEF6 protein (p.Arg104Trp). This variant is present in population databases (rs779366000, gnomAD 0.004%). This variant has not been reported in the literature in individuals affected with DEF6-related conditions. ClinVar contains an entry for this variant (Variation ID: 2419245). An algorithm developed to predict the effect of missense changes on protein structure and function (PolyPhen-2) suggests that this variant is likely to be disruptive. In summary, the available evidence is currently insufficient to determine the role of this variant in disease. Therefore, it has been classified as a Variant of Uncertain Significance.

Ambry Genetics
Classification: Uncertain significance. Last evaluated: 2024-05-10. Review status: criteria provided, single submitter. Criteria: Ambry Variant Classification Scheme 2023. Collection method: clinical testing. Allele origin: germline.